The following is an entry in ClinVar:

NM_152490.5(B3GALNT2):c.1244G>A (p.Gly415Glu)

Gene: B3GALNT2 (beta-1,3-N-acetylgalactosaminyltransferase 2; minus strand). Cytogenetic location: 1q42.3.
Variant type: single nucleotide variant.
Coding change: c.1244G>A on transcript NM_152490.5 (MANE Select); coding-DNA position 1244, G replaced by A.
Protein change: p.Gly415Glu; replaces glycine 415 with glutamic acid.
Molecular consequence: missense variant.
Genome position (GRCh38, 1-based): chr1:235,454,223, C>T on the plus strand (G>A on the coding strand, the complement: B3GALNT2 is on the minus strand). VCF-style: chr1-235454223-C-T. GRCh37 (hg19) VCF-style: chr1-235617535-C-T.
Other names: short protein forms G415E.
Identifiers: ClinVar variation 3010951 (VCV003010951.3), dbSNP rs1683060698, ClinGen allele CA344956869.

ClinVar aggregate classification (germline): Uncertain significance (1 of 4 stars; one submission).

Conditions:
Muscular dystrophy-dystroglycanopathy (congenital with brain and eye anomalies), type a, 11 (MDDGA11). Also called: WALKER-WARBURG SYNDROME OR MUSCLE-EYE-BRAIN DISEASE, B3GALNT2-RELATED; Muscular dystrophy-dystroglycanopathy (congenital with brain and eye anomalies, type A, 11; Congenital muscular dystrophy-dystroglycanopathy with brain and eye anomalies, type A11. Identifiers: Orphanet 588, Orphanet 899, MedGen C3554638, MONDO:0014071, OMIM 615181.

Allele frequency attached by ClinVar (database versions not stated): TOPMed below 0.00001.

Submission:

Labcorp Genetics (formerly Invitae), Labcorp
Classification: Uncertain significance for Muscular dystrophy-dystroglycanopathy (congenital with brain and eye anomalies), type a, 11. Last evaluated: 2023-02-13. Review status: criteria provided, single submitter. Criteria: Invitae Variant Classification Sherloc (09022015). Collection method: clinical testing. Allele origin: germline.
Comment: In summary, the available evidence is currently insufficient to determine the role of this variant in disease. Therefore, it has been classified as a Variant of Uncertain Significance. Advanced modeling of protein sequence and biophysical properties (such as structural, functional, and spatial information, amino acid conservation, physicochemical variation, residue mobility, and thermodynamic stability) has been performed at Invitae for this missense variant, however the output from this modeling did not meet the statistical confidence thresholds required to predict the impact of this variant on B3GALNT2 protein function. This variant has not been reported in the literature in individuals affected with B3GALNT2-related conditions. This variant is not present in population databases (gnomAD no frequency). This sequence change replaces glycine, which is neutral and non-polar, with glutamic acid, which is acidic and polar, at codon 415 of the B3GALNT2 protein (p.Gly415Glu).